The following is an entry in ClinVar:

ClinVar aggregate classification (germline): Uncertain significance. Review status: criteria provided, multiple submitters, no conflicts (2 of 4 stars). 3 submissions from 3 submitters: Uncertain significance (3). Last evaluated 2023-02-12.

Conditions:
Inborn genetic diseases. Identifiers: MedGen C0950123, MeSH D030342.

gnomAD v4.1: 20 of 1,609,926 alleles (0.0012%); highest among the groups gnomAD compares: African/African-American, 0.0027%; no homozygotes.

Submissions (3):

GeneDx
Classification: Uncertain significance. Last evaluated: 2023-02-12. Review status: criteria provided, single submitter. Criteria: GeneDx Variant Classification Process June 2021. Collection method: clinical testing. Allele origin: germline. Affected: yes.
Comment: Not observed at significant frequency in large population cohorts (gnomAD); In silico analysis supports that this missense variant does not alter protein structure/function; Has not been previously published as pathogenic or benign to our knowledge

Ambry Genetics
Classification: Uncertain significance for Inborn genetic diseases. Last evaluated: 2022-08-26. Review status: criteria provided, single submitter. Criteria: Ambry Variant Classification Scheme 2023. Collection method: clinical testing. Allele origin: germline.

Labcorp Genetics (formerly Invitae), Labcorp
Classification: Uncertain significance. Last evaluated: 2021-08-30. Review status: criteria provided, single submitter. Criteria: Invitae Variant Classification Sherloc (09022015). Collection method: clinical testing. Allele origin: germline.
Comment: This sequence change replaces proline with alanine at codon 268 of the TSEN54 protein (p.Pro268Ala). The proline residue is moderately conserved and there is a small physicochemical difference between proline and alanine. This variant is not present in population databases (ExAC no frequency). This variant has not been reported in the literature in individuals affected with TSEN54-related conditions. Algorithms developed to predict the effect of missense changes on protein structure and function (SIFT, PolyPhen-2, Align-GVGD) all suggest that this variant is likely to be tolerated. In summary, the available evidence is currently insufficient to determine the role of this variant in disease. Therefore, it has been classified as a Variant of Uncertain Significance.

NM_207346.3(TSEN54):c.802C>G (p.Pro268Ala)

Gene: TSEN54 (tRNA splicing endonuclease subunit 54; plus strand). Cytogenetic location: 17q25.1.
Variant type: single nucleotide variant.
Coding change: c.802C>G on transcript NM_207346.3 (MANE Select); coding-DNA position 802, C replaced by G.
Protein change: p.Pro268Ala; replaces proline 268 with alanine.
Molecular consequence: missense variant.
Genome position (GRCh38, 1-based): chr17:75,521,883, C>G. VCF-style: chr17-75521883-C-G. GRCh37 (hg19) VCF-style: chr17-73517964-C-G.
Other names: c.802C>G (NM_207346.2); short protein forms P268A.
Identifiers: ClinVar variation 1513715 (VCV001513715.4), dbSNP rs757862450, ClinGen allele CA294079001.